The following is an entry in ClinVar:

NM_001164508.2(NEB):c.6631T>C (p.Phe2211Leu)

Gene: NEB (nebulin; minus strand). Cytogenetic location: 2q23.3.
Variant type: single nucleotide variant.
Coding change: c.6631T>C on transcript NM_001164508.2 (MANE Select); coding-DNA position 6631, T replaced by C.
Protein change: p.Phe2211Leu; replaces phenylalanine 2211 with leucine.
Molecular consequence: missense variant.
Genome position (GRCh38, 1-based): chr2:151,655,888, A>G on the plus strand (T>C on the coding strand, the complement: NEB is on the minus strand). VCF-style: chr2-151655888-A-G. GRCh37 (hg19) VCF-style: chr2-152512402-A-G.
Other names: c.6631T>C, p.Phe2211Leu (NM_001164507.2, NM_001271208.2, NM_004543.5); c.6631T>C (NM_001271208.1, NM_004543.4); short protein forms F2211L.
Identifiers: ClinVar variation 502128 (VCV000502128.11), dbSNP rs369374856, ClinGen allele CA1910054.

ClinVar aggregate classification (germline): Uncertain significance. Review status: criteria provided, multiple submitters, no conflicts (2 of 4 stars). 4 submissions from 4 submitters: Uncertain significance (4). Last evaluated 2024-07-05.

Conditions:
Inborn genetic diseases. Identifiers: MedGen C0950123, MeSH D030342.
Nemaline myopathy 2 (NEM2). Also called: Nemaline myopathy 2, autosomal recessive. Identifiers: MedGen C1850569, MONDO:0009725, OMIM 256030.

Allele frequency attached by ClinVar (database versions not stated): ExAC 0.00001; gnomAD exomes 0.00001; gnomAD 0.00003; TOPMed 0.00008; ESP Exome Variant Server 0.00016.
gnomAD v4.1: 17 of 1,613,652 alleles (0.0011%); highest among the groups gnomAD compares: African/African-American, 0.023%; no homozygotes.

Submissions (4):

Ambry Genetics
Classification: Uncertain significance for Inborn genetic diseases. Last evaluated: 2024-07-05. Review status: criteria provided, single submitter. Criteria: Ambry Variant Classification Scheme 2023. Collection method: clinical testing. Allele origin: germline.

Labcorp Genetics (formerly Invitae), Labcorp
Classification: Uncertain significance for Nemaline myopathy 2. Last evaluated: 2021-10-19. Review status: criteria provided, single submitter. Criteria: Invitae Variant Classification Sherloc (09022015). Collection method: clinical testing. Allele origin: germline.
Comment: This sequence change replaces phenylalanine with leucine at codon 2211 of the NEB protein (p.Phe2211Leu). The phenylalanine residue is moderately conserved and there is a small physicochemical difference between phenylalanine and leucine. This variant is present in population databases (rs369374856, ExAC 0.01%). This variant has not been reported in the literature in individuals with NEB-related conditions. ClinVar contains an entry for this variant (Variation ID: 502128). Algorithms developed to predict the effect of missense changes on protein structure and function are either unavailable or do not agree on the potential impact of this missense change (SIFT: "Tolerated"; PolyPhen-2: "Not Available"; Align-GVGD: "Class C0"). In summary, the available evidence is currently insufficient to determine the role of this variant in disease. Therefore, it has been classified as a Variant of Uncertain Significance.

Revvity Omics, Revvity
Classification: Uncertain significance. Last evaluated: 2019-03-01. Review status: criteria provided, single submitter. Criteria: ACMG Guidelines, 2015. Collection method: clinical testing. Allele origin: germline.

Eurofins Ntd Llc (ga)
Classification: Uncertain significance. Last evaluated: 2017-06-12. Review status: criteria provided, single submitter. Criteria: EGL Classification Definitions 2015. Collection method: clinical testing. Allele origin: germline. Observed: 1 variant allele, 1 heterozygote.